The following is an entry in ClinVar:

NM_013335.4(GMPPA):c.921C>T (p.Ile307=)

Genes: ASIC4-AS1 (ASIC4 antisense RNA 1; minus strand), GMPPA (GDP-mannose pyrophosphorylase A; plus strand). Cytogenetic location: 2q35.
Variant type: single nucleotide variant.
Coding change: c.921C>T on transcript NM_013335.4 (MANE Select); coding-DNA position 921, C replaced by T.
Protein change: p.Ile307=; no amino-acid change (isoleucine 307 retained).
Molecular consequence: synonymous variant.
Genome position (GRCh38, 1-based): chr2:219,506,000, C>T. VCF-style: chr2-219506000-C-T. GRCh37 (hg19) VCF-style: chr2-220370722-C-T.
Other names: c.921C>T, p.Ile307= (NM_205847.3).
Identifiers: ClinVar variation 507802 (VCV000507802.33), dbSNP rs145170112, ClinGen allele CA2128359.

ClinVar aggregate classification (germline): Likely benign. Review status: criteria provided, multiple submitters, no conflicts (2 of 4 stars). 4 submissions from 4 submitters: Likely benign (4). Last evaluated 2025-10-27.

Conditions:
Alacrima, achalasia, and impaired intellectual development syndrome. Also called: Alacrima, achalasia, and intellectual disability syndrome; Alacrima, achalasia, and mental retardation syndrome. Identifiers: Orphanet 869, MedGen C4706563, MONDO:0014219, OMIM 615510.

Allele frequency attached by ClinVar (database versions not stated): gnomAD exomes 0.00016 and 0.00044; TOPMed 0.00023; ExAC 0.00036; gnomAD 0.00022 and 0.00021; ESP Exome Variant Server 0.00031.
gnomAD v4.1: 664 of 1,589,138 alleles (0.042%); highest among the groups gnomAD compares: Non-Finnish European, 0.054%; no homozygotes.

Submissions (4):

Labcorp Genetics (formerly Invitae), Labcorp
Classification: Likely benign for Alacrima, achalasia, and impaired intellectual development syndrome. Last evaluated: 2025-10-27. Review status: criteria provided, single submitter. Criteria: Invitae Variant Classification Sherloc (09022015). Collection method: clinical testing. Allele origin: germline.

Blueprint Genetics
Classification: Likely benign. Last evaluated: 2024-08-21. Review status: criteria provided, single submitter. Criteria: ACMG Guidelines, 2015. Collection method: clinical testing. Allele origin: germline.

CeGaT Center for Human Genetics Tuebingen
Classification: Likely benign. Last evaluated: 2023-09-01. Review status: criteria provided, single submitter. Criteria: CeGaT Center For Human Genetics Tuebingen Variant Classification Criteria Version 2. Collection method: clinical testing. Allele origin: germline. Affected: yes. Observed: 1 variant allele.
Comment: GMPPA: BP4, BP7

GeneDx
Classification: Likely benign. Last evaluated: 2018-01-22. Review status: criteria provided, single submitter. Criteria: GeneDx Variant Classification (06012015). Collection method: clinical testing. Allele origin: germline. Affected: yes.
Comment: This variant is considered likely benign or benign based on one or more of the following criteria: it is a conservative change, it occurs at a poorly conserved position in the protein, it is predicted to be benign by multiple in silico algorithms, and/or has population frequency not consistent with disease.